The following is an entry in ClinVar:

NM_001126106.4(SLC7A7):c.-263G>C

Gene: SLC7A7 (solute carrier family 7 member 7; minus strand). Cytogenetic location: 14q11.2.
Variant type: single nucleotide variant.
Coding change: c.-263G>C on transcript NM_001126106.4; 263 bases upstream of the start codon, G replaced by C.
Molecular consequence: 5 prime UTR variant.
Genome position (GRCh38, 1-based): chr14:22,819,726, C>G on the plus strand (G>C on the coding strand, the complement: SLC7A7 is on the minus strand). VCF-style: chr14-22819726-C-G. GRCh37 (hg19) VCF-style: chr14-23288935-C-G.
Identifiers: ClinVar variation 312835 (VCV000312835.9), dbSNP rs17122772, ClinGen allele CA10643946.

ClinVar aggregate classification (germline): Benign. Review status: criteria provided, multiple submitters, no conflicts (2 of 4 stars). 3 submissions from 3 submitters: Benign (3). Last evaluated 2018-06-23.

Conditions:
Lysinuric protein intolerance (LPI). Identifiers: Orphanet 470, MedGen C0268647, MONDO:0009109, OMIM 222700.

Allele frequency attached by ClinVar (database versions not stated): 1000 Genomes Project 30x 0.11477; gnomAD 0.15819; 1000 Genomes Project 0.11701; gnomAD exomes 0.22143; TOPMed 0.15631.
gnomAD v4.1: 24,442 of 152,512 alleles (16%); highest among the groups gnomAD compares: South Asian, 25%; 2,387 homozygotes.

Submissions (3):

GeneDx
Classification: Benign. Last evaluated: 2018-06-23. Review status: criteria provided, single submitter. Criteria: GeneDx Variant Classification Process June 2021. Collection method: clinical testing. Allele origin: germline. Affected: yes.

Illumina Laboratory Services, Illumina
Classification: Benign for Lysinuric protein intolerance. Last evaluated: 2018-01-13. Review status: criteria provided, single submitter. Criteria: ICSL Variant Classification Criteria 13 December 2019. Collection method: clinical testing. Allele origin: germline.
Comment: This variant was observed in the ICSL laboratory as part of a predisposition screen in an ostensibly healthy population. It had not been previously curated by ICSL or reported in the Human Gene Mutation Database (HGMD: prior to June 1st, 2018), and was therefore a candidate for classification through an automated scoring system. Utilizing variant allele frequency, disease prevalence and penetrance estimates, and inheritance mode, an automated score was calculated to assess if this variant is too frequent to cause the disease. Based on the score and internal cut-off values, a variant classified as benign is not then subjected to further curation. The score for this variant resulted in a classification of benign for this disease.

Breakthrough Genomics
Classification: Benign. Review status: criteria provided, single submitter. Criteria: ACMG Guidelines, 2015. Collection method: not provided. Allele origin: germline. Inheritance: Autosomal recessive inheritance. Affected: yes.